The following is an entry in ClinVar:

NM_005591.4(MRE11):c.*631C>T

Gene: MRE11 (MRE11 double strand break repair nuclease; minus strand). Cytogenetic location: 11q21.
Variant type: single nucleotide variant.
Coding change: c.*631C>T on transcript NM_005591.4 (MANE Select); 631 bases downstream of the stop codon, C replaced by T.
Molecular consequence: 3 prime UTR variant.
Genome position (GRCh38, 1-based): chr11:94,419,494, G>A on the plus strand (C>T on the coding strand, the complement: MRE11 is on the minus strand). VCF-style: chr11-94419494-G-A. GRCh37 (hg19) VCF-style: chr11-94152660-G-A.
Other names: c.*631C>T (NM_001330347.2, NM_005590.4).
Identifiers: ClinVar variation 60642 (VCV000060642.1), dbSNP rs397509347, ClinGen allele CA144580.

ClinVar aggregate classification (germline): other (0 of 4 stars; one submission).

Conditions:
Malignant tumor of urinary bladder. Also called: Urinary bladder cancer; Urinary Bladder Neoplasms; Bladder cancer. Identifiers: MedGen C0005684, MONDO:0001187, OMIM 109800.

Allele frequency attached by ClinVar (database versions not stated): gnomAD 0.00001.

Submission:

Gray Institute for Radiation Oncology & Biology, University of Oxford
Classification: other. Review status: no assertion criteria provided. Collection method: not provided. Allele origin: germline.
Comment: Detected by next-generation sequencing & confirmed by Sanger sequencing. Associated with survival following radical radiotherapy